The following is an entry in ClinVar:

NC_000006.11:g.(?_151766423)_(151766946_?)del

Gene: RMND1 (required for meiotic nuclear division 1 homolog; minus strand). Cytogenetic location: 6q25.1.
Variant type: Deletion.
Identifiers: ClinVar variation 1456606 (VCV001456606.5).

ClinVar aggregate classification (germline): Pathogenic (1 of 4 stars; one submission).

Submission:

Labcorp Genetics (formerly Invitae), Labcorp
Classification: Pathogenic. Last evaluated: 2022-03-09. Review status: criteria provided, single submitter. Criteria: Invitae Variant Classification Sherloc (09022015). Collection method: clinical testing. Allele origin: germline.
Comment: For these reasons, this variant has been classified as Pathogenic. This variant has not been reported in the literature in individuals affected with RMND1-related conditions. This variant is a gross deletion of the genomic region encompassing exon(s) 2 of the RMND1 gene, which includes the initiator codon. This deletion extends beyond the assayed region for this gene and therefore may encompass additional genes. It is expected to result in an absent or disrupted protein product. Loss-of-function variants in RMND1 are known to be pathogenic (PMID: 27412952).

Literature cited by the submitters: PubMed 27412952.